The following is an entry in ClinVar:

ClinVar aggregate classification (germline): Pathogenic (1 of 4 stars; one submission).

Conditions:
Brown-Vialetto-van Laere syndrome 2. Also called: SPINOCEREBELLAR ATAXIA WITH BLINDNESS AND DEAFNESS 2; Riboflavin transporter deficiency type 2. Identifiers: Orphanet 572543, Orphanet 97229, MedGen C3553538, MONDO:0013867, OMIM 614707.

Allele frequency attached by ClinVar (database versions not stated): ExAC 0.00001; gnomAD exomes below 0.00001.

Submission:

Labcorp Genetics (formerly Invitae), Labcorp
Classification: Pathogenic for Brown-Vialetto-van Laere syndrome 2. Last evaluated: 2022-04-28. Review status: criteria provided, single submitter. Criteria: Invitae Variant Classification Sherloc (09022015). Collection method: clinical testing. Allele origin: germline.
Comment: For these reasons, this variant has been classified as Pathogenic. This variant has not been reported in the literature in individuals affected with SLC52A2-related conditions. This variant is present in population databases (rs781865550, gnomAD 0.003%). This sequence change creates a premature translational stop signal (p.His110Alafs*80) in the SLC52A2 gene. It is expected to result in an absent or disrupted protein product. Loss-of-function variants in SLC52A2 are known to be pathogenic (PMID: 24253200).

Literature cited by the submitters: PubMed 24253200.

NM_001363118.2(SLC52A2):c.327dup (p.His110fs)

Gene: SLC52A2 (solute carrier family 52 member 2; plus strand). Cytogenetic location: 8q24.3.
Variant type: Duplication.
Coding change: c.327dup on transcript NM_001363118.2 (MANE Select); coding-DNA position 327, one base duplicated (G; older notation c.327dupG).
Protein change: p.His110fs; shifts the reading frame from histidine 110.
Molecular consequence: frameshift variant. On other transcripts: non-coding transcript variant (1), intron variant (1).
Genome position (GRCh38, 1-based): chr8:144,359,819, G duplicated. VCF-style (leftmost placement, unchanged base first): chr8-144359818-T-TG. GRCh37 (hg19) VCF-style: chr8-145583478-T-TG.
Other names: c.327dup, p.His110fs (NM_001253815.2, NM_001253816.2, NM_001363120.2 and 2 more transcripts); c.63dup, p.His22Alafs (NM_001410949.1); c.131-296dup (NM_001363122.2); short protein forms H110fs.
Identifiers: ClinVar variation 1975679 (VCV001975679.5), dbSNP rs781865550, ClinGen allele CA4938165.